The following is an entry in ClinVar:

ClinVar aggregate classification (germline): Uncertain significance (1 of 4 stars; one submission).

Conditions:
Combined immunodeficiency due to ORAI1 deficiency. Also called: IMMUNODEFICIENCY 9. Identifiers: Orphanet 169090, Orphanet 317428, MedGen C2748568, MONDO:0013007, OMIM 612782.
Myopathy, tubular aggregate, 2 (TAM2). Identifiers: MedGen C4014557, MONDO:0014383, OMIM 615883.

Allele frequency attached by ClinVar (database versions not stated): TOPMed 0.00001; ExAC 0.00002; gnomAD 0.00003.

Submission:

Labcorp Genetics (formerly Invitae), Labcorp
Classification: Uncertain significance for Myopathy, tubular aggregate, 2; Combined immunodeficiency due to ORAI1 deficiency. Last evaluated: 2023-10-23. Review status: criteria provided, single submitter. Criteria: Invitae Variant Classification Sherloc (09022015). Collection method: clinical testing. Allele origin: germline.
Comment: This sequence change replaces arginine, which is basic and polar, with histidine, which is basic and polar, at codon 167 of the ORAI1 protein (p.Arg167His). This variant is present in population databases (rs782716897, gnomAD 0.006%). This variant has not been reported in the literature in individuals affected with ORAI1-related conditions. ClinVar contains an entry for this variant (Variation ID: 2140208). Experimental studies and prediction algorithms are not available or were not evaluated, and the functional significance of this variant is currently unknown. In summary, the available evidence is currently insufficient to determine the role of this variant in disease. Therefore, it has been classified as a Variant of Uncertain Significance.

NC_000012.12:g.121641237G>A

Gene: ORAI1 (ORAI calcium release-activated calcium modulator 1; plus strand). Cytogenetic location: 12q24.31.
Variant type: single nucleotide variant.
Genome position: GRCh38 VCF-style: chr12-121641237-G-A. GRCh37 (hg19) VCF-style: chr12-122079143-G-A.
Other names: c.500G>A, p.Arg167His (NM_032790.4); short protein forms R167H.
Identifiers: ClinVar variation 2140208 (VCV002140208.4), dbSNP rs782716897, ClinGen allele CA6837504.
Genomic context (GRCh38, chr12:121,641,237, plus strand): 5'-ACATCGAGGCGGTGAGCAACGTGCACAATCTCAACTCGGTCAAGGAGTCCCCCCATGAGC[G>A]CATGCACCGCCACATCGAGCTGGCCTGGGCCTTCTCCACCGTCATCGGCACGCTGCTCTT-3'